The following is an entry in ClinVar:

ClinVar aggregate classification (germline): Likely benign (1 of 4 stars; one submission).

Submission:

CeGaT Center for Human Genetics Tuebingen
Classification: Likely benign. Last evaluated: 2026-01-01. Review status: criteria provided, single submitter. Criteria: CeGaT Center For Human Genetics Tuebingen Variant Classification Criteria Version 2. Collection method: clinical testing. Allele origin: germline. Affected: yes. Observed: 1 variant allele.
Comment: TXN2: PM2:Supporting, BP4, BP7

NM_012473.4(TXN2):c.291G>T (p.Gly97=)

Gene: TXN2 (thioredoxin 2; minus strand). Cytogenetic location: 22q12.3.
Variant type: single nucleotide variant.
Coding change: c.291G>T on transcript NM_012473.4 (MANE Select); coding-DNA position 291, G replaced by T.
Protein change: p.Gly97=; no amino-acid change (glycine 97 retained).
Molecular consequence: synonymous variant.
Genome position (GRCh38, 1-based): chr22:36,476,829, C>A on the plus strand (G>T on the coding strand, the complement: TXN2 is on the minus strand). VCF-style: chr22-36476829-C-A. GRCh37 (hg19) VCF-style: chr22-36872876-C-A.
Identifiers: ClinVar variation 4823063 (VCV004823063.4).